The following is an entry in ClinVar:

ClinVar aggregate classification (germline): Uncertain significance (1 of 4 stars; one submission).

Allele frequency attached by ClinVar (database versions not stated): gnomAD exomes below 0.00001.
gnomAD v4.1: 1 of 1,613,500 alleles (0.000062%); highest among the groups gnomAD compares: Non-Finnish European, 0.000085%; no homozygotes.

Submission:

Labcorp Genetics (formerly Invitae), Labcorp
Classification: Uncertain significance. Last evaluated: 2023-08-10. Review status: criteria provided, single submitter. Criteria: Invitae Variant Classification Sherloc (09022015). Collection method: clinical testing. Allele origin: germline.
Comment: This sequence change replaces asparagine, which is neutral and polar, with serine, which is neutral and polar, at codon 109 of the CSF1R protein (p.Asn109Ser). This variant is present in population databases (no rsID available, gnomAD 0.0009%). This variant has not been reported in the literature in individuals affected with CSF1R-related conditions. Advanced modeling of protein sequence and biophysical properties (such as structural, functional, and spatial information, amino acid conservation, physicochemical variation, residue mobility, and thermodynamic stability) performed at Invitae indicates that this missense variant is not expected to disrupt CSF1R protein function. In summary, the available evidence is currently insufficient to determine the role of this variant in disease. Therefore, it has been classified as a Variant of Uncertain Significance.

NM_001288705.3(CSF1R):c.326A>G (p.Asn109Ser)

Gene: CSF1R (colony stimulating factor 1 receptor; minus strand). Cytogenetic location: 5q32.
Variant type: single nucleotide variant.
Coding change: c.326A>G on transcript NM_001288705.3 (MANE Select); coding-DNA position 326, A replaced by G.
Protein change: p.Asn109Ser; replaces asparagine 109 with serine.
Molecular consequence: missense variant. On other transcripts: 5 prime UTR variant (1), non-coding transcript variant (2).
Genome position (GRCh38, 1-based): chr5:150,080,318, T>C on the plus strand (A>G on the coding strand, the complement: CSF1R is on the minus strand). VCF-style: chr5-150080318-T-C. GRCh37 (hg19) VCF-style: chr5-149459881-T-C.
Other names: c.326A>G, p.Asn109Ser (NM_001349736.2, NM_001375320.1, NM_005211.4); c.-119A>G (NM_001375321.1); short protein forms N109S.
Identifiers: ClinVar variation 2749802 (VCV002749802.3), dbSNP rs1350482816, ClinGen allele CA361734974.
Genomic context (GRCh38, chr5:150,080,318, plus strand): 5'-AGCAGACAGGGCAGTAGTGCGTCCTGGTCCTCGAACACGACCACCTCCTGTGCTAGCACG[T>C]TCCAGGGCCGGGCAGGGTCTAGAGTAGAGGAGGGCACAGGGTTACAACTGCCCTCCCTCC-3'
Protein context (NP_001275634.1, residues 99-119): LYVKDPARPW[Asn109Ser]VLAQEVVVFE